The following is an entry in ClinVar:

ClinVar aggregate classification (germline): Pathogenic (3 of 4 stars; one submission).

Conditions:
Lynch syndrome. Identifiers: Orphanet 144, MedGen C4552100, MONDO:0005835. Disease mechanism: loss of function.

Submission:

International Society for Gastrointestinal Hereditary Tumours (InSiGHT)
Classification: Pathogenic for Lynch Syndrome. Last evaluated: 2013-09-05. Review status: reviewed by expert panel. Criteria: Guidelines v1.9. Collection method: research. Allele origin: germline.
Comment: Coding sequence variation resulting in a stop codon

Classified with v1.9 guidelines

NM_000179.3(MSH6):c.3887_3893del (p.Lys1296fs)

Gene: MSH6 (mutS homolog 6; plus strand). Cytogenetic location: 2p16.3.
Variant type: Deletion.
Coding change: c.3887_3893del on transcript NM_000179.3 (MANE Select); coding-DNA positions 3887 to 3893, 7 bases deleted (AAAGCTA; older notation c.3887_3893delAAAGCTA).
Protein change: p.Lys1296fs; shifts the reading frame from lysine 1296.
Molecular consequence: frameshift variant.
Genome position (GRCh38, 1-based): chr2:47,806,537-47,806,543, AAAGCTA deleted; deleting any 7 consecutive bases within chr2:47,806,534-47,806,543 gives the same sequence; the c. name uses the placement nearest the transcript's 3' end. VCF-style (leftmost placement, unchanged base first): chr2-47806533-CCTAAAAG-C. GRCh37 (hg19) VCF-style: chr2-48033672-CCTAAAAG-C.
Other names: c.3497_3503del, p.Lys1166fs (NM_001281492.2); c.2981_2987del, p.Lys994fs (NM_001281493.2, NM_001281494.2); short protein forms K1166fs, K994fs.
Identifiers: ClinVar variation 89478 (VCV000089478.2), dbSNP rs267608130, ClinGen allele CA014616.
Genomic context (GRCh38, chr2:47,806,533, plus strand): 5'-TGTGAAGACCCCAGCCAGGAGACTATTACGTTCCTCTATAAATTCATTAAGGGAGCTTGT[CCTAAAAG>C]CTATGGCTTTAATGCAGCAAGGCTTGCTAATCTCCCAGAGGAAGTTATTCAAAAGGGACA-3'